The following is an entry in ClinVar:

NM_001304808.3(BRD1):c.970_980dup (p.Cys327Ter)

Gene: BRD1 (bromodomain containing 1; minus strand). Cytogenetic location: 22q13.33.
Variant type: Duplication.
Coding change: c.970_980dup on transcript NM_001304808.3 (MANE Select); coding-DNA positions 970 to 980, 11 bases duplicated (AAACTGACATG).
Protein change: p.Cys327Ter; replaces cysteine 327 with a stop codon.
Molecular consequence: nonsense. On other transcripts: non-coding transcript variant (2), intron variant (1), 5 prime UTR variant (1).
Genome position (GRCh38, 1-based): chr22:49,823,338-49,823,348, CATGTCAGTTT duplicated on the plus strand (AAACTGACATG on the coding strand, the reverse complement: BRD1 is on the minus strand); duplicating any 11 consecutive bases within chr22:49,823,338-49,823,349 gives the same sequence; the c. name uses the placement nearest the transcript's 3' end. VCF-style (leftmost placement, unchanged base first): chr22-49823337-G-GCATGTCAGTTT. GRCh37 (hg19) VCF-style: chr22-50216985-G-GCATGTCAGTTT.
Other names: c.970_980dup, p.Cys327Ter (NM_001394548.1, NM_001394549.1, NM_001394551.1 and 4 more transcripts); c.-176+4149_-176+4159dup (NM_001394550.1); c.-726_-716dup (NM_001349942.2); short protein forms C327*.
Identifiers: ClinVar variation 4845429 (VCV004845429.1).
Genomic context (GRCh38, chr22:49,823,337, plus strand): 5'-GTAGCAGTTTGCTTTGTGGCACTGGATGCAGGCACCCACGCCCTTCTGCTTACAGAGGTA[G>GCATGTCAGTTT]CATGTCAGTTTCCACCGGGCTGGAGGGATGTTCCTCACCCCATCGATGGGCTCGATGAAC-3'

ClinVar aggregate classification (germline): Uncertain significance (1 of 4 stars; one submission).

Submission:

Greenwood Genetic Center Diagnostic Laboratories, Greenwood Genetic Center
Classification: Uncertain significance. Last evaluated: 2025-10-02. Review status: criteria provided, single submitter. Criteria: ACMG Guidelines, 2015. Collection method: clinical testing. Allele origin: germline. Affected: yes.
Comment: Gene of Uncertain Significance